The following is an entry in ClinVar:

NM_015259.6(ICOSLG):c.898+395C>T

Gene: ICOSLG (inducible T cell costimulator ligand; minus strand). Cytogenetic location: 21q22.3.
Variant type: single nucleotide variant.
Coding change: c.898+395C>T on transcript NM_015259.6 (MANE Select); 395 bases into the intron after coding-DNA position 898, C replaced by T.
Molecular consequence: intron variant.
Genome position (GRCh38, 1-based): chr21:44,229,659, G>A on the plus strand (C>T on the coding strand, the complement: ICOSLG is on the minus strand). VCF-style: chr21-44229659-G-A. GRCh37 (hg19) VCF-style: chr21-45649542-G-A.
Other names: c.547+395C>T (NM_001283051.2); c.643+395C>T (NM_001283052.2); c.898+395C>T (NM_001283050.2); c.899-113C>T (NM_001395918.1); c.817+395C>T (NM_001365759.2).
Identifiers: ClinVar variation 2652733 (VCV002652733.24), dbSNP rs2517834549, ClinGen allele CA2654785997.

ClinVar aggregate classification (germline): Likely benign (1 of 4 stars; one submission).

Submission:

CeGaT Center for Human Genetics Tuebingen
Classification: Likely benign. Last evaluated: 2024-05-01. Review status: criteria provided, single submitter. Criteria: CeGaT Center For Human Genetics Tuebingen Variant Classification Criteria Version 2. Collection method: clinical testing. Allele origin: germline. Affected: yes. Observed: 2 variant alleles.
Comment: ICOSLG: PM2:Supporting, BP4, BP7